The following continues an entry in ClinVar:

NM_007294.4(BRCA1):c.1961del (p.Lys654fs)

Gene: BRCA1. ClinVar aggregate classification (germline): Pathogenic. Pathogenic (1). ClinVar aggregate classification (oncogenicity): Oncogenic.

Submissions 12 to 26 of 42:

Molecular Diagnostics Laboratory, Catalan Institute of Oncology
Classification: Pathogenic for Hereditary cancer-predisposing syndrome. Last evaluated: 2024-09-24. Review status: criteria provided, single submitter. Criteria: ClinGen BRCA1BRCA2 ACMG Specifications BRCA1 V1.0.0. Collection method: clinical testing. Allele origin: germline. Not counted in ClinVar's aggregate classification.
Comment: PVS1, PM5_PTC_Strong c.1961del, located in exon 10 (11 according BIC nomenclature) of the BRCA1 gene, consists in the deletion of 1 nucleotide, causing a translational frameshift with a predicted alternate stop codon, p.(Lys654Serfs*47). This alteration is expected to result in loss of function by premature protein truncation and nonsense-mediated mRNA decay (PVS1, PM5_PTC_Strong). This variant is found in 2/267582 alleles at a frequency of 0.0007% in the gnomAD v2.1.1 (non-cancer dataset). The SpliceAI algorithm predicts no effect on splicing. This variant has been repeatedly reported in breast and ovarian cancer families. In addition, it has been reported in ClinVar (35x as pathogenic and reviewed by an expert panel: ENIGMA (22/04/2016):”Variant allele predicted to encode a truncated non-functional protein”), and LOVD databases (69x as pathogenic). Based on currently available information, the variant c.1961del should be considered a pathogenic variant.

Ambry Genetics
Classification: Pathogenic for Hereditary cancer-predisposing syndrome. Last evaluated: 2024-06-21. Review status: criteria provided, single submitter. Criteria: Ambry Variant Classification Scheme 2023. Collection method: clinical testing. Allele origin: germline. Not counted in ClinVar's aggregate classification.
Comment: The c.1961delA pathogenic mutation, located in coding exon 9 of the BRCA1 gene, results from a deletion of one nucleotide at nucleotide position 1961, causing a translational frameshift with a predicted alternate stop codon (p.K654Sfs*47). This mutation has been reported numerous times in the literature in breast and breast/ovarian cancer families, including in a case of male breast cancer (Gayther SA et al. Nat. Genet. 1995 Dec;11(4):428-33; George J et al. Clin. Cancer Res. 2013 Jul;19(13):3474-84; de Juan Jim&eacute;nez I et al. Fam. Cancer. 2013 Dec;12(4):767-77; Abugattas J et al. Clin. Genet. 2015 Oct;88(4):371-5; de Juan I et al. Fam. Cancer, 2015 Dec;14:505-13; Meisel C et al. Arch Gynecol Obstet. 2017 May;295(5):1227-1238). Of note, this alteration is also designated as 2080delA in published literature. In addition to the clinical data presented in the literature, this alteration is expected to result in loss of function by premature protein truncation or nonsense-mediated mRNA decay. As such, this alteration is interpreted as a disease-causing mutation.

Quest Diagnostics Nichols Institute San Juan Capistrano
Classification: Pathogenic. Last evaluated: 2024-06-17. Review status: criteria provided, single submitter. Criteria: Quest Diagnostics criteria. Collection method: clinical testing. Allele origin: unknown. Not counted in ClinVar's aggregate classification.
Comment: The BRCA1 c.1961del (p.(Lys654Serfs*47) variant alters the translational reading frame of the BRCA1 mRNA and causes the premature termination of BRCA1 protein synthesis. This variant has been reported in the published literature in numerous individuals with breast and/or ovarian cancer (PMIDs: 32341426 (2020), 30720863 (2019), 30606148 (2019), 30350268 (2018), 30014164 (2018), 29928469 (2018), 23633455 (2013)) as well as endometrial cancer (PMID:17645508 (2008)) and male breast cancer (PMID: 26026974 (2015)). The frequency of this variant in the general population, 0.000023 (3/128744 chromosomes (Genome Aggregation Database)), is consistent with pathogenicity. ClinVar contains an entry for this variant (URL:, Variation ID: 37438). Based on the available information, this variant is classified as pathogenic.

Baylor Genetics
Classification: Pathogenic for Breast-ovarian cancer, familial, susceptibility to, 1. Last evaluated: 2024-01-11. Review status: criteria provided, single submitter. Criteria: ACMG Guidelines, 2015. Collection method: clinical testing. Allele origin: unknown. Not counted in ClinVar's aggregate classification.

Revvity Omics, Revvity
Classification: Pathogenic. Last evaluated: 2022-04-18. Review status: criteria provided, single submitter. Criteria: ACMG Guidelines, 2015. Collection method: clinical testing. Allele origin: germline. Not counted in ClinVar's aggregate classification.

Institute of Human Genetics, University of Leipzig Medical Center
Classification: Pathogenic for Fanconi anemia, complementation group S. Last evaluated: 2020-11-30. Review status: criteria provided, single submitter. Criteria: ACMG Guidelines, 2015. Collection method: clinical testing. Allele origin: unknown. Affected: yes. Not counted in ClinVar's aggregate classification.

GeneDx
Classification: Pathogenic. Last evaluated: 2020-11-10. Review status: criteria provided, single submitter. Criteria: GeneDx Variant Classification Process June 2021. Collection method: clinical testing. Allele origin: germline. Affected: yes. Not counted in ClinVar's aggregate classification.
Comment: Frameshift variant predicted to result in protein truncation or nonsense mediated decay in a gene for which loss-of-function is a known mechanism of disease; Observed in individuals with a personal or family history consistent with pathogenic variants in this gene, and reported as a recurrent variant in Spanish populations (Gayther 1995, Risch 2001, Diez 2003, de Juan Jimenez 2013, Abugattas 2015, Couch 2015, de Juan 2015, Kang 2015); Not observed at a significant frequency in large population cohorts (gnomAD); Truncating variants in this gene are considered pathogenic by a well-established clinical consortium and/or database; This variant is associated with the following publications: (PMID: 25452441, 11595708, 27376475, 16455195, 11956590, 26026974, 29310832, 7493024, 23633455, 12955716, 22798144, 11179017, 20727672, 17645508, 14517958, 16234499, 25256238, 25863477, 23479189, 26295337, 27533253, 27167707, 28324225, 29928469, 28831036, 29907814, 30606148, 30720863, 28176296, 30720243, 30014164, 30322717, 31090900, 29625052, 26689913, 30350268, 31214711, 33654310, 32341426, 31825140)

Women's Health and Genetics/Laboratory Corporation of America, LabCorp
Classification: Pathogenic for Hereditary breast and ovarian cancer syndrome. Last evaluated: 2020-07-23. Review status: criteria provided, single submitter. Criteria: LabCorp Variant Classification Summary - May 2015. Collection method: clinical testing. Allele origin: germline. Not counted in ClinVar's aggregate classification.
Comment: Variant summary: BRCA1 c.1961delA (p.Lys654SerfsX47) results in a premature termination codon, predicted to cause a truncation of the encoded protein or absence of the protein due to nonsense mediated decay, which are commonly known mechanisms for disease. Truncations downstream of this position have been classified as pathogenic by our laboratory. The variant allele was found at a frequency of 8e-06 in 250730 control chromosomes (gnomAD). c.1961delA has been reported in the literature in multiple individuals affected with Hereditary Breast And Ovarian Cancer Syndrome (e.g. Gayther_1995, Grushko_2004, Alsop_2012, de Juan_2015, Rebbeck_2018). These data indicate that the variant is very likely to be associated with disease. Sixteen ClinVar submitters including an expert panel (ENIGMA) (evaluation after 2014) cite the variant as pathogenic, while one ClinVar submitter (evaluation after 2014) cites the variant as uncertain significance. Based on the evidence outlined above, the variant was classified as pathogenic.

Department of Molecular Diagnostics, Institute of Oncology Ljubljana
Classification: Pathogenic for Breast-ovarian cancer, familial, susceptibility to, 1. Last evaluated: 2020-04-02. Review status: criteria provided, single submitter. Criteria: ACMG Guidelines, 2015. Collection method: clinical testing. Allele origin: germline. Affected: yes. Not counted in ClinVar's aggregate classification.

GeneKor MSA
Classification: Pathogenic for Hereditary breast and ovarian cancer syndrome. Last evaluated: 2020-01-01. Review status: criteria provided, single submitter. Criteria: ACMG Guidelines, 2015. Collection method: clinical testing. Allele origin: germline. Affected: yes. Not counted in ClinVar's aggregate classification.
Comment: This variant is a single base pair deletion at amino acid residue 654 of the BRCA1 gene. It results in a frame-shift, creating a new stop codon after 47 amino acids, thus resulting in a truncated, non-functional protein. Truncating variants in BRCA1 are known to be pathogenic. This variant is also known as 2073delA and 2080delA and has been reported in the literature in patients affected with breast, ovarian, and endometrial cancer (PMID: 7493024, 12955716, 17645508). The mutation database ClinVar contains entries for this variant (Variation ID: 37438).

3DMed Clinical Laboratory Inc
Classification: Pathogenic for Invasive Ductal Carcinoma, Not Otherwise Specified. Last evaluated: 2017-09-14. Review status: criteria provided, single submitter. Criteria: ACMG Guidelines, 2015. Collection method: clinical testing. Allele origin: germline. Affected: yes. Not counted in ClinVar's aggregate classification.

CHEO Genetics Diagnostic Laboratory, Children's Hospital of Eastern Ontario
Classification: Pathogenic for Hereditary breast ovarian cancer syndrome. Last evaluated: 2017-08-03. Review status: criteria provided, single submitter. Criteria: ACMG Guidelines, 2015. Collection method: clinical testing. Allele origin: germline. Not counted in ClinVar's aggregate classification.

Department of Pathology and Molecular Medicine, Queen's University
Classification: Pathogenic for Hereditary breast ovarian cancer syndrome. Last evaluated: 2017-04-20. Review status: criteria provided, single submitter. Criteria: ACMG Guidelines, 2015. Collection method: clinical testing. Allele origin: germline. Study: The Canadian Open Genetics Repository (COGR). Not counted in ClinVar's aggregate classification.

PreventionGenetics, part of Exact Sciences
Classification: Pathogenic. Last evaluated: 2017-03-16. Review status: criteria provided, single submitter. Criteria: ACMG Guidelines, 2015. Collection method: clinical testing. Allele origin: germline. Not counted in ClinVar's aggregate classification.

Genologica Medica
Classification: Pathogenic for Breast-ovarian cancer, familial, susceptibility to, 1. Last evaluated: 2017-01-01. Review status: criteria provided, single submitter. Criteria: ACMG Guidelines, 2015. Collection method: clinical testing. Allele origin: germline. Affected: yes. Not counted in ClinVar's aggregate classification.